The following is an entry in ClinVar:

NM_013432.5(TONSL):c.1653+6C>T

Genes: TONSL (tonsoku like, DNA repair protein; minus strand), TONSL-AS1 (TONSL antisense RNA 1; plus strand). Cytogenetic location: 8q24.3.
Variant type: single nucleotide variant.
Coding change: c.1653+6C>T on transcript NM_013432.5 (MANE Select); 6 bases into the intron after coding-DNA position 1653, C replaced by T.
Molecular consequence: intron variant.
Genome position (GRCh38, 1-based): chr8:144,438,465, G>A on the plus strand (C>T on the coding strand, the complement: TONSL is on the minus strand). VCF-style: chr8-144438465-G-A. GRCh37 (hg19) VCF-style: chr8-145663848-G-A.
Identifiers: ClinVar variation 1961567 (VCV001961567.4), dbSNP rs372351783, ClinGen allele CA4943130.

ClinVar aggregate classification (germline): Uncertain significance (1 of 4 stars; one submission).

Allele frequency attached by ClinVar (database versions not stated): gnomAD exomes below 0.00001; TOPMed below 0.00001; ExAC 0.00001; gnomAD 0.00001; ESP Exome Variant Server 0.00008.
gnomAD v4.1: 5 of 1,611,812 alleles (0.00031%); highest among the groups gnomAD compares: Non-Finnish European, 0.00042%; no homozygotes.

Submission:

Labcorp Genetics (formerly Invitae), Labcorp
Classification: Uncertain significance. Last evaluated: 2024-10-21. Review status: criteria provided, single submitter. Criteria: Invitae Variant Classification Sherloc (09022015). Collection method: clinical testing. Allele origin: germline.
Comment: This sequence change falls in intron 13 of the TONSL gene. It does not directly change the encoded amino acid sequence of the TONSL protein. It affects a nucleotide within the consensus splice site. This variant is present in population databases (rs372351783, gnomAD 0.0009%). This variant has not been reported in the literature in individuals affected with TONSL-related conditions. ClinVar contains an entry for this variant (Variation ID: 1961567). Variants that disrupt the consensus splice site are a relatively common cause of aberrant splicing (PMID: 17576681, 9536098). Algorithms developed to predict the effect of sequence changes on RNA splicing suggest that this variant is not likely to affect RNA splicing. In summary, the available evidence is currently insufficient to determine the role of this variant in disease. Therefore, it has been classified as a Variant of Uncertain Significance.

Literature cited by the submitters: PubMed 17576681; PubMed 9536098.